The following is an entry in ClinVar:

ClinVar aggregate classification (germline): Likely benign. Review status: criteria provided, multiple submitters, no conflicts (2 of 4 stars). 2 submissions from 2 submitters: Likely benign (2). Last evaluated 2025-08-09.

gnomAD v4.1: 22 of 1,614,114 alleles (0.0014%); highest among the groups gnomAD compares: Non-Finnish European, 0.0019%; no homozygotes.

Submissions (2):

Labcorp Genetics (formerly Invitae), Labcorp
Classification: Likely benign. Last evaluated: 2025-08-09. Review status: criteria provided, single submitter. Criteria: Invitae Variant Classification Sherloc (09022015). Collection method: clinical testing. Allele origin: germline.

Women's Health and Genetics/Laboratory Corporation of America, LabCorp
Classification: Likely benign. Last evaluated: 2024-07-26. Review status: criteria provided, single submitter. Criteria: LabCorp Variant Classification Summary - May 2015. Collection method: clinical testing. Allele origin: germline.
Comment: Variant summary: CACNA1D c.732G>A alters a conserved nucleotide resulting in a synonymous change. Consensus agreement among computation tools predict no significant impact on normal splicing. However, these predictions have yet to be confirmed by functional studies. The variant allele was found at a frequency of 2.4e-05 in 251404 control chromosomes. The available data on variant occurrences in the general population are insufficient to allow any conclusion about variant significance. To our knowledge, no occurrence of c.732G>A in individuals affected with Sinoatrial Node Dysfunction And Deafness and no experimental evidence demonstrating its impact on protein function have been reported. No submitters have cited clinical-significance assessments for this variant to ClinVar. Based on the evidence outlined above, the variant was classified as likely benign.

NM_001128840.3(CACNA1D):c.732G>A (p.Val244=)

Gene: CACNA1D (calcium voltage-gated channel subunit alpha1 D; plus strand). Cytogenetic location: 3p21.1.
Variant type: single nucleotide variant.
Coding change: c.732G>A on transcript NM_001128840.3 (MANE Select); coding-DNA position 732, G replaced by A.
Protein change: p.Val244=; no amino-acid change (valine 244 retained).
Molecular consequence: synonymous variant.
Genome position (GRCh38, 1-based): chr3:53,660,241, G>A. VCF-style: chr3-53660241-G-A. GRCh37 (hg19) VCF-style: chr3-53694268-G-A.
Other names: c.732G>A, p.Val244= (NM_000720.4, NM_001128839.3).
Identifiers: ClinVar variation 3339324 (VCV003339324.3).
Genomic context (GRCh38, chr3:53,660,241, plus strand): 5'-GAACCACTCAAGCGGCAAATCTGGAGGCTTTGATGTCAAAGCCCTCCGTGCCTTTCGAGT[G>A]TTGCGACCACTTCGACTAGTGTCAGGAGTGCCCAGTAAGCACTTATTGTTTCCTAGAGTC-3'
Protein context (NP_001122312.1, residues 234-254): FDVKALRAFR[Val244=]LRPLRLVSGV